The following is an entry in ClinVar:

ClinVar aggregate classification (germline): Uncertain significance (1 of 4 stars; one submission).

Allele frequency attached by ClinVar (database versions not stated): ExAC 0.00002; TOPMed 0.00002; gnomAD 0.00003.
gnomAD v4.1: 30 of 1,612,718 alleles (0.0019%); highest among the groups gnomAD compares: Non-Finnish European, 0.0024%; no homozygotes.

Submission:

Labcorp Genetics (formerly Invitae), Labcorp
Classification: Uncertain significance. Last evaluated: 2024-10-23. Review status: criteria provided, single submitter. Criteria: Invitae Variant Classification Sherloc (09022015). Collection method: clinical testing. Allele origin: germline.
Comment: This sequence change replaces tyrosine, which is neutral and polar, with cysteine, which is neutral and slightly polar, at codon 297 of the SKIV2L protein (p.Tyr297Cys). This variant is present in population databases (rs761943195, gnomAD 0.002%). This variant has not been reported in the literature in individuals affected with SKIV2L-related conditions. ClinVar contains an entry for this variant (Variation ID: 1521471). An algorithm developed to predict the effect of missense changes on protein structure and function (PolyPhen-2) suggests that this variant is likely to be disruptive. In summary, the available evidence is currently insufficient to determine the role of this variant in disease. Therefore, it has been classified as a Variant of Uncertain Significance.

NM_006929.5(SKIC2):c.890A>G (p.Tyr297Cys)

Gene: SKIC2 (SKI2 subunit of superkiller complex; plus strand). Cytogenetic location: 6p21.33.
Variant type: single nucleotide variant.
Coding change: c.890A>G on transcript NM_006929.5 (MANE Select); coding-DNA position 890, A replaced by G.
Protein change: p.Tyr297Cys; replaces tyrosine 297 with cysteine.
Molecular consequence: missense variant.
Genome position (GRCh38, 1-based): chr6:31,961,647, A>G. VCF-style: chr6-31961647-A-G. GRCh37 (hg19) VCF-style: chr6-31929424-A-G.
Other names: short protein forms Y297C.
Identifiers: ClinVar variation 1521471 (VCV001521471.4), dbSNP rs761943195, ClinGen allele CA3729276.